The following is an entry in ClinVar:

ClinVar aggregate classification (germline): Uncertain significance (1 of 4 stars; one submission).

Allele frequency attached by ClinVar (database versions not stated): ExAC 0.00002; TOPMed 0.00002; gnomAD 0.00004.
gnomAD v4.1: 25 of 1,613,954 alleles (0.0015%); highest among the groups gnomAD compares: Admixed American, 0.018%; 1 homozygote.

Submission:

Labcorp Genetics (formerly Invitae), Labcorp
Classification: Uncertain significance. Last evaluated: 2022-12-02. Review status: criteria provided, single submitter. Criteria: Invitae Variant Classification Sherloc (09022015). Collection method: clinical testing. Allele origin: germline.
Comment: In summary, the available evidence is currently insufficient to determine the role of this variant in disease. Therefore, it has been classified as a Variant of Uncertain Significance. Algorithms developed to predict the effect of sequence changes on RNA splicing suggest that this variant is not likely to affect RNA splicing. ClinVar contains an entry for this variant (Variation ID: 1372635). This variant has not been reported in the literature in individuals affected with HTT-related conditions. The frequency data for this variant in the population databases is considered unreliable, as metrics indicate poor data quality at this position in the gnomAD database. This sequence change affects codon 1908 of the HTT mRNA. It is a 'silent' change, meaning that it does not change the encoded amino acid sequence of the HTT protein. It affects a nucleotide within the consensus splice site.

NM_001388492.1(HTT):c.5718C>T (p.Val1906=)

Gene: HTT (huntingtin; plus strand). Cytogenetic location: 4p16.3.
Variant type: single nucleotide variant.
Coding change: c.5718C>T on transcript NM_001388492.1 (MANE Select); coding-DNA position 5718, C replaced by T.
Protein change: p.Val1906=; no amino-acid change (valine 1906 retained).
Molecular consequence: synonymous variant.
Genome position (GRCh38, 1-based): chr4:3,204,148, C>T. VCF-style: chr4-3204148-C-T. GRCh37 (hg19) VCF-style: chr4-3205875-C-T.
Other names: c.5724C>T, p.Val1908= (NM_002111.8).
Identifiers: ClinVar variation 1372635 (VCV001372635.8), dbSNP rs759556699, ClinGen allele CA2824791.